The following is an entry in ClinVar:

NM_005476.7(GNE):c.29T>C (p.Leu10Pro)

Gene: GNE (glucosamine (UDP-N-acetyl)-2-epimerase/N-acetylmannosamine kinase; minus strand). Cytogenetic location: 9p13.3.
Variant type: single nucleotide variant.
Coding change: c.29T>C on transcript NM_005476.7 (MANE Select); coding-DNA position 29, T replaced by C.
Protein change: p.Leu10Pro; replaces leucine 10 with proline.
Molecular consequence: missense variant. On other transcripts: intron variant (3).
Genome position (GRCh38, 1-based): chr9:36,249,327, A>G on the plus strand (T>C on the coding strand, the complement: GNE is on the minus strand). VCF-style: chr9-36249327-A-G. GRCh37 (hg19) VCF-style: chr9-36249324-A-G.
Other names: c.122T>C, p.Leu41Pro (NM_001128227.3); c.29T>C, p.Leu10Pro (NM_001190383.3, NM_001374797.1); c.-13-2845T>C (NM_001190388.2, NM_001190384.3, NM_001374798.1); short protein forms L41P, L10P.
Identifiers: ClinVar variation 847243 (VCV000847243.9), dbSNP rs1830024227, ClinGen allele CA373422152.

ClinVar aggregate classification (germline): Uncertain significance (1 of 4 stars; one submission).

Conditions:
Sialuria. Also called: SIALURIA, FRENCH TYPE; Sialic Acid Storage Disease. Identifiers: Orphanet 3166, MedGen C0342853, MONDO:0010028, OMIM 269921.
GNE myopathy (NM). Also called: IBM 2; Inclusion body myopathy autosomal recessive; Inclusion body myopathy quadriceps sparing; NONAKA DISTAL MYOPATHY; INCLUSION BODY MYOPATHY, HEREDITARY, AUTOSOMAL RECESSIVE; INCLUSION BODY MYOPATHY 2, AUTOSOMAL RECESSIVE. Identifiers: Orphanet 602, MedGen C1853926, MONDO:0011603, OMIM 605820.

Submission:

Labcorp Genetics (formerly Invitae), Labcorp
Classification: Uncertain significance for Sialuria; GNE myopathy. Last evaluated: 2019-05-02. Review status: criteria provided, single submitter. Criteria: Invitae Variant Classification Sherloc (09022015). Collection method: clinical testing. Allele origin: germline.
Comment: This variant is not present in population databases (ExAC no frequency). This sequence change replaces leucine with proline at codon 41 of the GNE protein (p.Leu41Pro). The leucine residue is highly conserved and there is a moderate physicochemical difference between leucine and proline. This variant has not been reported in the literature in individuals with GNE-related conditions. In summary, the available evidence is currently insufficient to determine the role of this variant in disease. Therefore, it has been classified as a Variant of Uncertain Significance. Algorithms developed to predict the effect of missense changes on protein structure and function (SIFT, PolyPhen-2, Align-GVGD) all suggest that this variant is likely to be disruptive, but these predictions have not been confirmed by published functional studies and their clinical significance is uncertain.